The following is an entry in ClinVar:

NM_001734.5(C1S):c.693G>A (p.Ala231=)

Gene: C1S (complement C1s; plus strand). Cytogenetic location: 12p13.31.
Variant type: single nucleotide variant.
Coding change: c.693G>A on transcript NM_001734.5 (MANE Select); coding-DNA position 693, G replaced by A.
Protein change: p.Ala231=; no amino-acid change (alanine 231 retained).
Molecular consequence: synonymous variant.
Genome position (GRCh38, 1-based): chr12:7,065,275, G>A. VCF-style: chr12-7065275-G-A. GRCh37 (hg19) VCF-style: chr12-7172579-G-A.
Other names: c.192G>A, p.Ala64= (NM_001346850.2); c.693G>A, p.Ala231= (NM_201442.4); c.693G>A (NM_201442.3).
Identifiers: ClinVar variation 789213 (VCV000789213.14), dbSNP rs374425292, ClinGen allele CA6423521.

ClinVar aggregate classification (germline): Likely benign. Review status: criteria provided, multiple submitters, no conflicts (2 of 4 stars). 4 submissions from 4 submitters: Likely benign (3). 1 of the submissions does not count toward it. Last evaluated 2026-01-18.

Conditions:
C1S-related disorder. Also called: C1S-related condition.

Allele frequency attached by ClinVar (database versions not stated): ESP Exome Variant Server 0.00015; TOPMed 0.00021.
gnomAD v4.1: 362 of 1,613,726 alleles (0.022%); highest among the groups gnomAD compares: Non-Finnish European, 0.028%; no homozygotes.

Submissions (4):

Labcorp Genetics (formerly Invitae), Labcorp
Classification: Likely benign. Last evaluated: 2026-01-18. Review status: criteria provided, single submitter. Criteria: Invitae Variant Classification Sherloc (09022015). Collection method: clinical testing. Allele origin: germline.

Women's Health and Genetics/Laboratory Corporation of America, LabCorp
Classification: Likely benign. Last evaluated: 2025-10-29. Review status: criteria provided, single submitter. Criteria: LabCorp Variant Classification Summary - May 2015. Collection method: clinical testing. Allele origin: germline.

Blueprint Genetics
Classification: Likely benign. Last evaluated: 2024-02-16. Review status: criteria provided, single submitter. Criteria: ACMG Guidelines, 2015. Collection method: clinical testing. Allele origin: germline.

PreventionGenetics, part of Exact Sciences
Classification: Likely benign for C1S-related condition. Last evaluated: 2019-10-28. Review status: no assertion criteria provided. Collection method: clinical testing. Allele origin: germline. Not counted in ClinVar's aggregate classification.
Comment: This variant is classified as likely benign based on ACMG/AMP sequence variant interpretation guidelines (Richards et al. 2015 PMID: 25741868, with internal and published modifications).